The following is an entry in ClinVar:

ClinVar aggregate classification (germline): Uncertain significance (1 of 4 stars; one submission).

Allele frequency attached by ClinVar (database versions not stated): gnomAD exomes below 0.00001; TOPMed 0.00001.
gnomAD v4.1: 1 of 1,612,934 alleles (0.000062%); highest among the groups gnomAD compares: Admixed American, 0.0017%; no homozygotes.

Submission:

Labcorp Genetics (formerly Invitae), Labcorp
Classification: Uncertain significance. Last evaluated: 2022-10-22. Review status: criteria provided, single submitter. Criteria: Invitae Variant Classification Sherloc (09022015). Collection method: clinical testing. Allele origin: germline.
Comment: In summary, the available evidence is currently insufficient to determine the role of this variant in disease. Therefore, it has been classified as a Variant of Uncertain Significance. Variants that disrupt the consensus splice site are a relatively common cause of aberrant splicing (PMID: 17576681, 9536098). Algorithms developed to predict the effect of sequence changes on RNA splicing suggest that this variant is not likely to affect RNA splicing. This variant has not been reported in the literature in individuals affected with DSG1-related conditions. This variant is present in population databases (no rsID available, gnomAD 0.003%). This sequence change falls in intron 9 of the DSG1 gene. It does not directly change the encoded amino acid sequence of the DSG1 protein. It affects a nucleotide within the consensus splice site.

Literature cited by the submitters: PubMed 17576681; PubMed 9536098.

NM_001942.4(DSG1):c.1266-3C>T

Gene: DSG1 (desmoglein 1; plus strand). Cytogenetic location: 18q12.1.
Variant type: single nucleotide variant.
Coding change: c.1266-3C>T on transcript NM_001942.4 (MANE Select); 3 bases into the intron before coding-DNA position 1266, C replaced by T.
Molecular consequence: intron variant.
Genome position (GRCh38, 1-based): chr18:31,338,312, C>T. VCF-style: chr18-31338312-C-T. GRCh37 (hg19) VCF-style: chr18-28918275-C-T.
Identifiers: ClinVar variation 1957586 (VCV001957586.5), dbSNP rs1337308353, ClinGen allele CA629146757.